The following is an entry in ClinVar:

ClinVar aggregate classification (germline): Uncertain significance (1 of 4 stars; one submission).

Conditions:
Neurofibromatosis, type 1 (NF1). Also called: Peripheral type neurofibromatosis; Neurofibromatosis, type I; VON RECKLINGHAUSEN DISEASE; NEUROFIBROMATOSIS, TYPE I, SOMATIC. Identifiers: Orphanet 636, MedGen C0027831, MONDO:0018975, OMIM 162200. Disease mechanism: loss of function.

Allele frequency attached by ClinVar (database versions not stated): gnomAD exomes below 0.00001; ExAC 0.00001.
gnomAD v4.1: 2 of 1,613,872 alleles (0.00012%); highest among the groups gnomAD compares: Non-Finnish European, 0.000085%; no homozygotes.

Submission:

Labcorp Genetics (formerly Invitae), Labcorp
Classification: Uncertain significance for Neurofibromatosis, type 1. Last evaluated: 2025-12-06. Review status: criteria provided, single submitter. Criteria: Invitae Variant Classification Sherloc (09022015). Collection method: clinical testing. Allele origin: germline.
Comment: This sequence change replaces aspartic acid, which is acidic and polar, with glycine, which is neutral and non-polar, at codon 1460 of the NF1 protein (p.Asp1460Gly). This variant is present in population databases (rs777229737, gnomAD 0.0009%). This variant has not been reported in the literature in individuals affected with NF1-related conditions. ClinVar contains an entry for this variant (Variation ID: 578483). Invitae Evidence Modeling of protein sequence and biophysical properties (such as structural, functional, and spatial information, amino acid conservation, physicochemical variation, residue mobility, and thermodynamic stability) indicates that this missense variant is expected to disrupt NF1 protein function with a positive predictive value of 95%. RNA analysis performed to evaluate the impact of this missense change on mRNA splicing indicates it does not significantly alter splicing (internal data). In summary, the available evidence is currently insufficient to determine the role of this variant in disease. Therefore, it has been classified as a Variant of Uncertain Significance.

NM_001042492.3(NF1):c.4442A>G (p.Asp1481Gly)

Gene: NF1 (neurofibromin 1; plus strand). Cytogenetic location: 17q11.2.
Variant type: single nucleotide variant.
Coding change: c.4442A>G on transcript NM_001042492.3 (MANE Select); coding-DNA position 4442, A replaced by G.
Protein change: p.Asp1481Gly; replaces aspartic acid 1481 with glycine.
Molecular consequence: missense variant.
Genome position (GRCh38, 1-based): chr17:31,260,380, A>G. VCF-style: chr17-31260380-A-G. GRCh37 (hg19) VCF-style: chr17-29587398-A-G.
Other names: c.4379A>G, p.Asp1460Gly (NM_000267.4); short protein forms D1460G, D1481G.
Identifiers: ClinVar variation 578483 (VCV000578483.5), dbSNP rs777229737, ClinGen allele CA8486423.